The following is an entry in ClinVar:

NM_152703.5(SAMD9L):c.721G>A (p.Val241Ile)

Gene: SAMD9L (sterile alpha motif domain containing 9 like; minus strand). Cytogenetic location: 7q21.2.
Variant type: single nucleotide variant.
Coding change: c.721G>A on transcript NM_152703.5 (MANE Select); coding-DNA position 721, G replaced by A.
Protein change: p.Val241Ile; replaces valine 241 with isoleucine.
Molecular consequence: missense variant.
Genome position (GRCh38, 1-based): chr7:93,135,251, C>T on the plus strand (G>A on the coding strand, the complement: SAMD9L is on the minus strand). VCF-style: chr7-93135251-C-T. GRCh37 (hg19) VCF-style: chr7-92764564-C-T.
Other names: c.721G>A, p.Val241Ile (NM_001303496.3, NM_001303497.3, NM_001303498.3 and 5 more transcripts); short protein forms V241I.
Identifiers: ClinVar variation 3437191 (VCV003437191.1).

ClinVar aggregate classification (germline): Uncertain significance (1 of 4 stars; one submission).

Conditions:
Inborn genetic diseases. Identifiers: MedGen C0950123, MeSH D030342.

Submission:

Ambry Genetics
Classification: Uncertain significance for Inborn genetic diseases. Last evaluated: 2024-11-27. Review status: criteria provided, single submitter. Criteria: Ambry Variant Classification Scheme 2023. Collection method: clinical testing. Allele origin: germline.
Comment: The p.V241I variant (also known as c.721G>A), located in coding exon 1 of the SAMD9L gene, results from a G to A substitution at nucleotide position 721. The valine at codon 241 is replaced by isoleucine, an amino acid with highly similar properties. This amino acid position is conserved. In addition, this alteration is predicted to be tolerated by in silico analysis. Based on the available evidence, the clinical significance of this variant remains unclear.